The following is an entry in ClinVar:

ClinVar aggregate classification (germline): Uncertain significance (1 of 4 stars; one submission).

Conditions:
Leber congenital amaurosis 1 (LCA1). Also called: RETINAL BLINDNESS, CONGENITAL; Congenital absence of the rods and cones; Leber's congenital tapetoretinal degeneration; Leber's congenital tapetoretinal dysplasia; AMAUROSIS CONGENITA OF LEBER I. Identifiers: Orphanet 65, MedGen C2931258, MONDO:0008764, OMIM 204000.
Cone-rod dystrophy 6 (CORD6). Also called: RETINAL CONE DYSTROPHY 2; Cone dystrophy progressive. Identifiers: Orphanet 1872, MedGen C1866293, MONDO:0011143, OMIM 601777.

Allele frequency attached by ClinVar (database versions not stated): gnomAD exomes below 0.00001; TOPMed below 0.00001; ExAC 0.00001; gnomAD 0.00001.

Submission:

Labcorp Genetics (formerly Invitae), Labcorp
Classification: Uncertain significance for Leber congenital amaurosis 1; Cone-rod dystrophy 6. Last evaluated: 2023-12-18. Review status: criteria provided, single submitter. Criteria: Invitae Variant Classification Sherloc (09022015). Collection method: clinical testing. Allele origin: germline.
Comment: This sequence change replaces aspartic acid, which is acidic and polar, with tyrosine, which is neutral and polar, at codon 639 of the GUCY2D protein (p.Asp639Tyr). This variant is present in population databases (rs767009640, gnomAD 0.006%). This missense change has been observed in individual(s) with Leber congenital amaurosis (PMID: 20050595). Advanced modeling of protein sequence and biophysical properties (such as structural, functional, and spatial information, amino acid conservation, physicochemical variation, residue mobility, and thermodynamic stability) performed at Invitae indicates that this missense variant is expected to disrupt GUCY2D protein function with a positive predictive value of 80%. Experimental studies have shown that this missense change affects GUCY2D function (PMID: 20050595). In summary, the available evidence is currently insufficient to determine the role of this variant in disease. Therefore, it has been classified as a Variant of Uncertain Significance.

Literature cited by the submitters: PubMed 20050595.

NM_000180.4(GUCY2D):c.1915G>T (p.Asp639Tyr)

Gene: GUCY2D (guanylate cyclase 2D, retinal; plus strand). Cytogenetic location: 17p13.1.
Variant type: single nucleotide variant.
Coding change: c.1915G>T on transcript NM_000180.4 (MANE Select); coding-DNA position 1915, G replaced by T.
Protein change: p.Asp639Tyr; replaces aspartic acid 639 with tyrosine.
Molecular consequence: missense variant.
Genome position (GRCh38, 1-based): chr17:8,012,309, G>T. VCF-style: chr17-8012309-G-T. GRCh37 (hg19) VCF-style: chr17-7915627-G-T.
Other names: short protein forms D639Y.
Identifiers: ClinVar variation 2925604 (VCV002925604.3), dbSNP rs767009640, ClinGen allele CA8365934.